The following is an entry in ClinVar:

NM_001375834.1(WIPF1):c.979G>A (p.Gly327Ser)

Gene: WIPF1 (WAS/WASL interacting protein family member 1; minus strand). Cytogenetic location: 2q31.1.
Variant type: single nucleotide variant.
Coding change: c.979G>A on transcript NM_001375834.1 (MANE Select); coding-DNA position 979, G replaced by A.
Protein change: p.Gly327Ser; replaces glycine 327 with serine.
Molecular consequence: missense variant.
Genome position (GRCh38, 1-based): chr2:174,571,826, C>T on the plus strand (G>A on the coding strand, the complement: WIPF1 is on the minus strand). VCF-style: chr2-174571826-C-T. GRCh37 (hg19) VCF-style: chr2-175436554-C-T.
Other names: c.979G>A, p.Gly327Ser (NM_001077269.1, NM_001375832.1, NM_001375833.1 and 5 more transcripts); c.601G>A, p.Gly201Ser (NM_001375839.1); short protein forms G201S, G327S.
Identifiers: ClinVar variation 1002230 (VCV001002230.6), dbSNP rs1430804372, ClinGen allele CA349340814.

ClinVar aggregate classification (germline): Uncertain significance. Review status: criteria provided, multiple submitters, no conflicts (2 of 4 stars). 2 submissions from 2 submitters: Uncertain significance (2). Last evaluated 2024-01-22.

Conditions:
Wiskott-Aldrich syndrome 2 (WAS2). Also called: WIPF1 DEFICIENCY. Identifiers: Orphanet 906, MedGen C3281001, MONDO:0013779, OMIM 614493.
Inborn genetic diseases. Identifiers: MedGen C0950123, MeSH D030342.

Allele frequency attached by ClinVar (database versions not stated): gnomAD exomes 0.00001; gnomAD 0.00002; TOPMed 0.00003.
gnomAD v4.1: 7 of 1,614,024 alleles (0.00043%); highest among the groups gnomAD compares: Admixed American, 0.0067%; no homozygotes.

Submissions (2):

Ambry Genetics
Classification: Uncertain significance for Inborn genetic diseases. Last evaluated: 2024-01-22. Review status: criteria provided, single submitter. Criteria: Ambry Variant Classification Scheme 2023. Collection method: clinical testing. Allele origin: germline.

Labcorp Genetics (formerly Invitae), Labcorp
Classification: Uncertain significance for Wiskott-Aldrich syndrome 2. Last evaluated: 2023-07-10. Review status: criteria provided, single submitter. Criteria: Invitae Variant Classification Sherloc (09022015). Collection method: clinical testing. Allele origin: germline.
Comment: This sequence change replaces glycine, which is neutral and non-polar, with serine, which is neutral and polar, at codon 327 of the WIPF1 protein (p.Gly327Ser). This variant is present in population databases (no rsID available, gnomAD 0.003%). This variant has not been reported in the literature in individuals affected with WIPF1-related conditions. ClinVar contains an entry for this variant (Variation ID: 1002230). Algorithms developed to predict the effect of missense changes on protein structure and function output the following: SIFT: "Not Available"; PolyPhen-2: "Benign"; Align-GVGD: "Not Available". The serine amino acid residue is found in multiple mammalian species, which suggests that this missense change does not adversely affect protein function. In summary, the available evidence is currently insufficient to determine the role of this variant in disease. Therefore, it has been classified as a Variant of Uncertain Significance.